The following is an entry in ClinVar:

NC_000002.11:g.(?_241656781)_(241686758_?)dup

Gene: KIF1A (kinesin family member 1A; minus strand). Cytogenetic location: 2q37.3.
Variant type: Duplication.
Identifiers: ClinVar variation 3247234 (VCV003247234.1).

ClinVar aggregate classification (germline): Uncertain significance (1 of 4 stars; one submission).

Conditions:
Neuropathy, hereditary sensory, type 2C. Also called: Hereditary sensory and autonomic neuropathy type IIC; KIF1A-Related HSAN2 (HSAN2C). Identifiers: Orphanet 970, MedGen C3280168, MONDO:0013634, OMIM 614213.
Intellectual disability, autosomal dominant 9 (NESCAVS). Also called: NESCAV SYNDROME; KIF1A-Related Neurodevelopmental Disorder. Identifiers: Orphanet 662367, MedGen C5393830, MONDO:0013656, OMIM 614255.
Hereditary spastic paraplegia 30. Identifiers: Orphanet 101010, MedGen C5235139, MONDO:0012476.

Submission:

Labcorp Genetics (formerly Invitae), Labcorp
Classification: Uncertain significance for Hereditary spastic paraplegia 30; Neuropathy, hereditary sensory, type 2C; Intellectual disability, autosomal dominant 9. Last evaluated: 2023-03-02. Review status: criteria provided, single submitter. Criteria: Invitae Variant Classification Sherloc (09022015). Collection method: clinical testing. Allele origin: unknown.
Comment: In summary, the available evidence is currently insufficient to determine the role of this variant in disease. Therefore, it has been classified as a Variant of Uncertain Significance. This variant has not been reported in the literature in individuals affected with KIF1A-related conditions. This variant results in a copy number gain of the genomic region encompassing exon(s) 26-46 of the KIF1A gene. This region includes the termination codon of the gene. This copy number gain extends beyond the assayed region for this gene and therefore may encompass additional genes. As the precise location of this event is unknown, it may be in tandem or it may be located elsewhere in the genome.